The following is an entry in ClinVar:

ClinVar aggregate classification (germline): Likely pathogenic. Review status: criteria provided, multiple submitters, no conflicts (2 of 4 stars). 2 submissions from 2 submitters: Likely pathogenic (2). Last evaluated 2026-03-26.

Conditions:
Autosomal recessive limb-girdle muscular dystrophy type 2J (LGMDR10). Also called: Limb-girdle muscular dystrophy, type 2J; MUSCULAR DYSTROPHY, LIMB-GIRDLE, AUTOSOMAL RECESSIVE 10. Identifiers: Orphanet 140922, MedGen C1837342, MONDO:0012127, OMIM 608807.
Dilated cardiomyopathy 1G (CMD1G). Identifiers: Orphanet 154, MedGen C1858763, MONDO:0011400, OMIM 604145.

Submissions (2):

GeneDx
Classification: Likely pathogenic. Last evaluated: 2026-03-26. Review status: criteria provided, single submitter. Criteria: GeneDx Variant Classification Process June 2021. Collection method: clinical testing. Allele origin: germline.
Comment: Nonsense variant predicted to result in protein truncation or nonsense mediated decay in a gene for which loss of function is a known mechanism of disease; Not observed at significant frequency in large population cohorts (gnomAD); Has not been previously published as pathogenic or benign to our knowledge; This variant is associated with the following publications: (PMID: 22335739, 32778822)

Labcorp Genetics (formerly Invitae), Labcorp
Classification: Likely pathogenic for Dilated cardiomyopathy 1G; Autosomal recessive limb-girdle muscular dystrophy type 2J. Last evaluated: 2026-01-13. Review status: criteria provided, single submitter. Criteria: Invitae Variant Classification Sherloc (09022015). Collection method: clinical testing. Allele origin: germline.
Comment: This sequence change creates a premature translational stop signal (p.Gln19473*) in the TTN gene. While this is not anticipated to result in nonsense mediated decay, it is expected to create a truncated TTN protein. This variant is not present in population databases (gnomAD no frequency). This variant has not been reported in the literature in individuals affected with TTN-related conditions. ClinVar contains an entry for this variant (Variation ID: 2122403). Algorithms developed to predict the effect of sequence changes on RNA splicing suggest that this variant may disrupt the consensus splice site. This variant is located in the A band of TTN (PMID: 25589632). Truncating variants in this region are significantly overrepresented in patients affected with dilated cardiomyopathy (PMID: 25589632). Truncating variants in this region have also been reported in individuals affected with autosomal recessive centronuclear myopathy (PMID: 23975875). In summary, the currently available evidence indicates that the variant is pathogenic, but additional data are needed to prove that conclusively. Therefore, this variant has been classified as Likely Pathogenic.

Literature cited by the submitters: PubMed 25589632 (cited by Labcorp Genetics (formerly Invitae), Labcorp); PubMed 23975875 (cited by Labcorp Genetics (formerly Invitae), Labcorp).

NM_001267550.2(TTN):c.58417C>T (p.Gln19473Ter)

Genes: TTN (titin; minus strand), TTN-AS1 (TTN antisense RNA 1; plus strand). Cytogenetic location: 2q31.2.
Variant type: single nucleotide variant.
Coding change: c.58417C>T on transcript NM_001267550.2 (MANE Select); coding-DNA position 58417, C replaced by T.
Protein change: p.Gln19473Ter; replaces glutamine 19473 with a stop codon.
Molecular consequence: nonsense.
Genome position (GRCh38, 1-based): chr2:178,593,976, G>A on the plus strand (C>T on the coding strand, the complement: TTN is on the minus strand). VCF-style: chr2-178593976-G-A. GRCh37 (hg19) VCF-style: chr2-179458703-G-A.
Other names: c.53494C>T, p.Gln17832Ter (NM_001256850.1); c.31222C>T, p.Gln10408Ter (NM_003319.4); c.50713C>T, p.Gln16905Ter (NM_133378.4); c.31597C>T, p.Gln10533Ter (NM_133432.3); c.31798C>T, p.Gln10600Ter (NM_133437.4); short protein forms Q10533*, Q10408*, Q10600*, Q16905*, Q17832*, Q19473*.
Identifiers: ClinVar variation 2122403 (VCV002122403.5), dbSNP rs2050845376, ClinGen allele CA349506636.
Genomic context (GRCh38, chr2:178,593,976, plus strand): 5'-TTTGAAAGAACAGAAGATCTATTCTTTCCACTAAATAAGACTTACCAACAACATTAACTT[G>A]ACAGAAACCTTTCCTAGAGCCTGTACTGTTCTCCACAACCACACAGTATTTGCCGGAATC-3'